The following is an entry in ClinVar:

ClinVar aggregate classification (germline): Uncertain significance (1 of 4 stars; one submission).

Allele frequency attached by ClinVar (database versions not stated): gnomAD exomes below 0.00001 and 0.00001; ExAC 0.00001; gnomAD 0.00001; TOPMed 0.00001.
gnomAD v4.1: 9 of 1,612,976 alleles (0.00056%); highest among the groups gnomAD compares: Non-Finnish European, 0.00076%; no homozygotes.

Submission:

Labcorp Genetics (formerly Invitae), Labcorp
Classification: Uncertain significance. Last evaluated: 2022-07-12. Review status: criteria provided, single submitter. Criteria: Invitae Variant Classification Sherloc (09022015). Collection method: clinical testing. Allele origin: germline.
Comment: This variant has not been reported in the literature in individuals affected with RBP3-related conditions. This sequence change replaces alanine, which is neutral and non-polar, with valine, which is neutral and non-polar, at codon 891 of the RBP3 protein (p.Ala891Val). This variant is present in population databases (rs782780175, gnomAD 0.0009%). ClinVar contains an entry for this variant (Variation ID: 1010910). Algorithms developed to predict the effect of missense changes on protein structure and function are either unavailable or do not agree on the potential impact of this missense change (SIFT: "Tolerated"; PolyPhen-2: "Possibly Damaging"; Align-GVGD: "Class C0"). In summary, the available evidence is currently insufficient to determine the role of this variant in disease. Therefore, it has been classified as a Variant of Uncertain Significance.

NM_002900.3(RBP3):c.2672C>T (p.Ala891Val)

Gene: RBP3 (retinol binding protein 3; plus strand). Cytogenetic location: 10q11.22.
Variant type: single nucleotide variant.
Coding change: c.2672C>T on transcript NM_002900.3 (MANE Select); coding-DNA position 2672, C replaced by T.
Protein change: p.Ala891Val; replaces alanine 891 with valine.
Molecular consequence: missense variant.
Genome position (GRCh38, 1-based): chr10:47,351,156, C>T. VCF-style: chr10-47351156-C-T. GRCh37 (hg19) VCF-style: chr10-48388206-G-A.
Other names: short protein forms A891V.
Identifiers: ClinVar variation 1010910 (VCV001010910.10), dbSNP rs782780175, ClinGen allele CA5487226.